The following is an entry in ClinVar:

ClinVar aggregate classification (germline): Uncertain significance (1 of 4 stars; one submission).

Allele frequency attached by ClinVar (database versions not stated): ExAC below 0.00001; gnomAD exomes below 0.00001.
gnomAD v4.1: 7 of 1,554,938 alleles (0.00045%); highest among the groups gnomAD compares: South Asian, 0.0036%; no homozygotes.

Submission:

Labcorp Genetics (formerly Invitae), Labcorp
Classification: Uncertain significance. Last evaluated: 2019-10-24. Review status: criteria provided, single submitter. Criteria: Invitae Variant Classification Sherloc (09022015). Collection method: clinical testing. Allele origin: germline.
Comment: The frequency data for this variant in the population databases is considered unreliable, as metrics indicate poor data quality at this position in the ExAC database. This sequence change replaces proline with serine at codon 465 of the SAMD11 protein (p.Pro465Ser). The proline residue is moderately conserved and there is a moderate physicochemical difference between proline and serine. This variant has not been reported in the literature in individuals with SAMD11-related conditions. In summary, the available evidence is currently insufficient to determine the role of this variant in disease. Therefore, it has been classified as a Variant of Uncertain Significance. Algorithms developed to predict the effect of missense changes on protein structure and function (SIFT, PolyPhen-2, Align-GVGD) all suggest that this variant is likely to be tolerated, but these predictions have not been confirmed by published functional studies and their clinical significance is uncertain.

NM_001385641.1(SAMD11):c.1882C>T (p.Pro628Ser)

Gene: SAMD11 (sterile alpha motif domain containing 11; plus strand). Cytogenetic location: 1p36.33.
Variant type: single nucleotide variant.
Coding change: c.1882C>T on transcript NM_001385641.1 (MANE Select); coding-DNA position 1882, C replaced by T.
Protein change: p.Pro628Ser; replaces proline 628 with serine.
Molecular consequence: missense variant.
Genome position (GRCh38, 1-based): chr1:942,887, C>T. VCF-style: chr1-942887-C-T. GRCh37 (hg19) VCF-style: chr1-878267-C-T.
Other names: c.1885C>T, p.Pro629Ser (NM_001385640.1); c.1393C>T, p.Pro465Ser (NM_152486.4); short protein forms P465S, P628S, P629S.
Identifiers: ClinVar variation 969727 (VCV000969727.9), dbSNP rs766360427, ClinGen allele CA503012.